The following is an entry in ClinVar:

NM_014319.5(LEMD3):c.1198G>T (p.Val400Leu)

Gene: LEMD3 (LEM domain containing 3; plus strand). Cytogenetic location: 12q14.3.
Variant type: single nucleotide variant.
Coding change: c.1198G>T on transcript NM_014319.5 (MANE Select); coding-DNA position 1198, G replaced by T.
Protein change: p.Val400Leu; replaces valine 400 with leucine.
Molecular consequence: missense variant.
Genome position (GRCh38, 1-based): chr12:65,170,794, G>T. VCF-style: chr12-65170794-G-T. GRCh37 (hg19) VCF-style: chr12-65564574-G-T.
Other names: c.1198G>T, p.Val400Leu (NM_001167614.2); short protein forms V400L.
Identifiers: ClinVar variation 1721072 (VCV001721072.5), dbSNP rs2498940701, ClinGen allele CA385675233.

ClinVar aggregate classification (germline): Uncertain significance (1 of 4 stars; one submission).

Submission:

Labcorp Genetics (formerly Invitae), Labcorp
Classification: Uncertain significance. Last evaluated: 2022-10-06. Review status: criteria provided, single submitter. Criteria: Invitae Variant Classification Sherloc (09022015). Collection method: clinical testing. Allele origin: germline.
Comment: In summary, the available evidence is currently insufficient to determine the role of this variant in disease. Therefore, it has been classified as a Variant of Uncertain Significance. Advanced modeling of protein sequence and biophysical properties (such as structural, functional, and spatial information, amino acid conservation, physicochemical variation, residue mobility, and thermodynamic stability) performed at Invitae indicates that this missense variant is not expected to disrupt LEMD3 protein function. This variant has not been reported in the literature in individuals affected with LEMD3-related conditions. This variant is not present in population databases (gnomAD no frequency). This sequence change replaces valine, which is neutral and non-polar, with leucine, which is neutral and non-polar, at codon 400 of the LEMD3 protein (p.Val400Leu).